The following is an entry in ClinVar:

ClinVar aggregate classification (germline): Uncertain significance (1 of 4 stars; one submission).

Conditions:
Werner syndrome (WRN). Identifiers: Orphanet 902, MedGen C0043119, MONDO:0010196, OMIM 277700.

Allele frequency attached by ClinVar (database versions not stated): gnomAD exomes below 0.00001; TOPMed below 0.00001; gnomAD 0.00001; ESP Exome Variant Server 0.00015.
gnomAD v4.1: 3 of 1,612,798 alleles (0.00019%); highest among the groups gnomAD compares: Non-Finnish European, 0.00025%; no homozygotes.

Submission:

Labcorp Genetics (formerly Invitae), Labcorp
Classification: Uncertain significance for Werner syndrome. Last evaluated: 2023-03-04. Review status: criteria provided, single submitter. Criteria: Invitae Variant Classification Sherloc (09022015). Collection method: clinical testing. Allele origin: germline.
Comment: In summary, the available evidence is currently insufficient to determine the role of this variant in disease. Therefore, it has been classified as a Variant of Uncertain Significance. Algorithms developed to predict the effect of missense changes on protein structure and function output the following: SIFT: "Not Available"; PolyPhen-2: "Benign"; Align-GVGD: "Not Available". The isoleucine amino acid residue is found in multiple mammalian species, which suggests that this missense change does not adversely affect protein function. This variant has not been reported in the literature in individuals affected with WRN-related conditions. This variant is present in population databases (rs140064662, gnomAD 0.0009%). This sequence change replaces threonine, which is neutral and polar, with isoleucine, which is neutral and non-polar, at codon 1236 of the WRN protein (p.Thr1236Ile).

NM_000553.6(WRN):c.3707C>T (p.Thr1236Ile)

Gene: WRN (WRN RecQ like helicase; plus strand). Cytogenetic location: 8p12.
Variant type: single nucleotide variant.
Coding change: c.3707C>T on transcript NM_000553.6 (MANE Select); coding-DNA position 3707, C replaced by T.
Protein change: p.Thr1236Ile; replaces threonine 1236 with isoleucine.
Molecular consequence: missense variant.
Genome position (GRCh38, 1-based): chr8:31,154,643, C>T. VCF-style: chr8-31154643-C-T. GRCh37 (hg19) VCF-style: chr8-31012159-C-T.
Other names: short protein forms T1236I.
Identifiers: ClinVar variation 2972192 (VCV002972192.3), dbSNP rs140064662, ClinGen allele CA174911388.